The following is an entry in ClinVar:

ClinVar aggregate classification (germline): Likely benign. Review status: criteria provided, multiple submitters, no conflicts (2 of 4 stars). 2 submissions from 2 submitters: Likely benign (2). Last evaluated 2026-01-01.

gnomAD v4.1: 887 of 1,611,878 alleles (0.055%); highest among the groups gnomAD compares: Non-Finnish European, 0.071%; 2 homozygotes.

Submissions (2):

CeGaT Center for Human Genetics Tuebingen
Classification: Likely benign. Last evaluated: 2026-01-01. Review status: criteria provided, single submitter. Criteria: CeGaT Center For Human Genetics Tuebingen Variant Classification Criteria Version 2. Collection method: clinical testing. Allele origin: germline. Affected: yes. Observed: 3 variant alleles.
Comment: KDM5B: BP4, BP7

Labcorp Genetics (formerly Invitae), Labcorp
Classification: Likely benign. Last evaluated: 2019-12-31. Review status: criteria provided, single submitter. Criteria: Invitae Variant Classification Sherloc (09022015). Collection method: clinical testing. Allele origin: germline.

NM_006618.5(KDM5B):c.3150C>A (p.Pro1050=)

Gene: KDM5B (lysine demethylase 5B; minus strand). Cytogenetic location: 1q32.1.
Variant type: single nucleotide variant.
Coding change: c.3150C>A on transcript NM_006618.5 (MANE Select); coding-DNA position 3150, C replaced by A.
Protein change: p.Pro1050=; no amino-acid change (proline 1050 retained).
Molecular consequence: synonymous variant.
Genome position (GRCh38, 1-based): chr1:202,736,327, G>T on the plus strand (C>A on the coding strand, the complement: KDM5B is on the minus strand). VCF-style: chr1-202736327-G-T. GRCh37 (hg19) VCF-style: chr1-202705455-G-T.
Other names: c.3258C>A, p.Pro1086= (NM_001314042.2); c.3015C>A, p.Pro1005= (NM_001347591.2); c.3135C>A, p.Pro1045= (NM_001399817.1).
Identifiers: ClinVar variation 724331 (VCV000724331.29), dbSNP rs1141109, ClinGen allele CA1334253.